The following is an entry in ClinVar:

NM_001367624.2(ZNF469):c.9749G>C (p.Gly3250Ala)

Gene: ZNF469 (zinc finger protein 469; plus strand). Cytogenetic location: 16q24.2.
Variant type: single nucleotide variant.
Coding change: c.9749G>C on transcript NM_001367624.2 (MANE Select); coding-DNA position 9749, G replaced by C.
Protein change: p.Gly3250Ala; replaces glycine 3250 with alanine.
Molecular consequence: missense variant.
Genome position (GRCh38, 1-based): chr16:88,437,219, G>C. VCF-style: chr16-88437219-G-C. GRCh37 (hg19) VCF-style: chr16-88503627-G-C.
Other names: NM_001127464.1:c.9665G>C; short protein forms G3250A.
Identifiers: ClinVar variation 3364368 (VCV003364368.3).
Genomic context (GRCh38, chr16:88,437,219, plus strand): 5'-GCATCACGGAACCCGCGCCCAAACACCACAGGGGCAAGCGCTCCGCCGGCAAGGCCGCCG[G>C]GAGCCCGGGAGACCCGTGGGGGCAAGAGGGAGAAGCCAAGAAAGACAGCCCGGGCGAGAG-3'
Protein context (NP_001354553.1, residues 3240-3260): RGKRSAGKAA[Gly3250Ala]SPGDPWGQEG

ClinVar aggregate classification (germline): Uncertain significance. Review status: criteria provided, multiple submitters, no conflicts (2 of 4 stars). 2 submissions from 2 submitters: Uncertain significance (2). Last evaluated 2026-04-15.

Submissions (2):

Women's Health and Genetics/Laboratory Corporation of America, LabCorp
Classification: Uncertain significance. Last evaluated: 2026-04-15. Review status: criteria provided, single submitter. Criteria: LabCorp Variant Classification Summary - May 2015. Collection method: clinical testing. Allele origin: germline.
Comment: Variant summary: ZNF469 c.9749G>C (p.Gly3250Ala) results in a non-conservative amino acid change in the encoded protein sequence. Algorithms developed to predict the effect of missense changes on protein structure and function are either unavailable or do not agree on the potential impact of this missense change. The variant was absent in 141838 control chromosomes. The available data on variant occurrences in the general population are insufficient to allow any conclusion about variant significance. To our knowledge, no occurrence of c.9749G>C in individuals affected with ZNF469-related conditions and no experimental evidence demonstrating its impact on protein function have been reported. ClinVar contains an entry for this variant (Variation ID: 3364368). Based on the evidence outlined above, the variant was classified as uncertain significance.

GeneDx
Classification: Uncertain significance. Last evaluated: 2023-11-15. Review status: criteria provided, single submitter. Criteria: GeneDx Variant Classification Process June 2021. Collection method: clinical testing. Allele origin: germline. Affected: yes.
Comment: Not observed at significant frequency in large population cohorts (gnomAD); In silico analysis supports that this missense variant does not alter protein structure/function; Has not been previously published as pathogenic or benign to our knowledge